The following is an entry in ClinVar:

NM_015331.3(NCSTN):c.574A>G (p.Ile192Val)

Gene: NCSTN (nicastrin; plus strand). Cytogenetic location: 1q23.2.
Variant type: single nucleotide variant.
Coding change: c.574A>G on transcript NM_015331.3 (MANE Select); coding-DNA position 574, A replaced by G.
Protein change: p.Ile192Val; replaces isoleucine 192 with valine.
Molecular consequence: missense variant.
Genome position (GRCh38, 1-based): chr1:160,350,242, A>G. VCF-style: chr1-160350242-A-G. GRCh37 (hg19) VCF-style: chr1-160320032-A-G.
Other names: c.514A>G, p.Ile172Val (NM_001290184.2); c.574A>G, p.Ile192Val (NM_001290186.2, NM_001349729.2); short protein forms I192V, I172V.
Identifiers: ClinVar variation 2913336 (VCV002913336.3), dbSNP rs763195332, ClinGen allele CA1198750.

ClinVar aggregate classification (germline): Uncertain significance (1 of 4 stars; one submission).

Allele frequency attached by ClinVar (database versions not stated): gnomAD exomes 0.00001; gnomAD 0.00001; ExAC 0.00001; TOPMed 0.00002.
gnomAD v4.1: 4 of 1,613,998 alleles (0.00025%); highest among the groups gnomAD compares: Admixed American, 0.0067%; no homozygotes.

Submission:

Labcorp Genetics (formerly Invitae), Labcorp
Classification: Uncertain significance. Last evaluated: 2025-03-30. Review status: criteria provided, single submitter. Criteria: Invitae Variant Classification Sherloc (09022015). Collection method: clinical testing. Allele origin: germline.
Comment: This sequence change replaces isoleucine, which is neutral and non-polar, with valine, which is neutral and non-polar, at codon 192 of the NCSTN protein (p.Ile192Val). This variant is present in population databases (rs763195332, gnomAD 0.003%). This variant has not been reported in the literature in individuals affected with NCSTN-related conditions. ClinVar contains an entry for this variant (Variation ID: 2913336). Invitae Evidence Modeling of protein sequence and biophysical properties (such as structural, functional, and spatial information, amino acid conservation, physicochemical variation, residue mobility, and thermodynamic stability) indicates that this missense variant is not expected to disrupt NCSTN protein function with a negative predictive value of 80%. In summary, the available evidence is currently insufficient to determine the role of this variant in disease. Therefore, it has been classified as a Variant of Uncertain Significance.